The following is an entry in ClinVar:

NM_001077350.3(NPRL3):c.772_775del (p.Tyr258fs)

Genes: HBA-LCR (alpha-globin locus control region; plus strand), NPRL3 (NPR3 like, GATOR1 complex subunit; minus strand). Cytogenetic location: 16p13.3.
Variant type: Deletion.
Coding change: c.772_775del on transcript NM_001077350.3 (MANE Select); coding-DNA positions 772 to 775, 4 bases deleted (TACC; older notation c.772_775delTACC).
Protein change: p.Tyr258fs; shifts the reading frame from tyrosine 258.
Molecular consequence: frameshift variant.
Genome position (GRCh38, 1-based): chr16:98,294-98,297, GGTA deleted on the plus strand (TACC on the coding strand, the reverse complement: NPRL3 is on the minus strand); deleting any 4 consecutive bases within chr16:98,294-98,299 gives the same sequence; the c. name uses the placement nearest the transcript's 3' end. VCF-style (leftmost placement, unchanged base first): chr16-98293-TGGTA-T. GRCh37 (hg19) VCF-style: chr16-148291-TGGTA-T.
Other names: c.235_238del, p.Tyr79fs (NM_001039476.3); c.538_541del, p.Tyr180fs (NM_001243247.2); c.697_700del, p.Tyr233fs (NM_001243248.2, NM_001243249.2); short protein forms Y180fs, Y233fs, Y258fs, Y79fs.
Identifiers: ClinVar variation 2498632 (VCV002498632.28), dbSNP rs2542826580, ClinGen allele CA2580092048.

ClinVar aggregate classification (germline): Pathogenic (1 of 4 stars; one submission).

Submission:

CeGaT Center for Human Genetics Tuebingen
Classification: Pathogenic. Last evaluated: 2023-05-01. Review status: criteria provided, single submitter. Criteria: CeGaT Center For Human Genetics Tuebingen Variant Classification Criteria Version 2. Collection method: clinical testing. Allele origin: germline. Affected: yes. Observed: 2 variant alleles.
Comment: NPRL3: PVS1, PM2